The following is an entry in ClinVar:

NM_002282.3(KRT83):c.908G>A (p.Arg303His)

Gene: KRT83 (keratin 83; minus strand). Cytogenetic location: 12q13.13.
Variant type: single nucleotide variant.
Coding change: c.908G>A on transcript NM_002282.3 (MANE Select); coding-DNA position 908, G replaced by A.
Protein change: p.Arg303His; replaces arginine 303 with histidine.
Molecular consequence: missense variant.
Genome position (GRCh38, 1-based): chr12:52,316,866, C>T on the plus strand (G>A on the coding strand, the complement: KRT83 is on the minus strand). VCF-style: chr12-52316866-C-T. GRCh37 (hg19) VCF-style: chr12-52710650-C-T.
Other names: short protein forms R303H.
Identifiers: ClinVar variation 1913064 (VCV001913064.5), dbSNP rs775630317, ClinGen allele CA6577482.

ClinVar aggregate classification (germline): Uncertain significance (1 of 4 stars; one submission).

Allele frequency attached by ClinVar (database versions not stated): gnomAD exomes 0.00001; ExAC 0.00002.
gnomAD v4.1: 11 of 1,614,036 alleles (0.00068%); highest among the groups gnomAD compares: Admixed American, 0.0033%; no homozygotes.

Submission:

Labcorp Genetics (formerly Invitae), Labcorp
Classification: Uncertain significance. Last evaluated: 2024-12-02. Review status: criteria provided, single submitter. Criteria: Invitae Variant Classification Sherloc (09022015). Collection method: clinical testing. Allele origin: germline.
Comment: This sequence change replaces arginine, which is basic and polar, with histidine, which is basic and polar, at codon 303 of the KRT83 protein (p.Arg303His). This variant is present in population databases (rs775630317, gnomAD 0.003%). This variant has not been reported in the literature in individuals affected with KRT83-related conditions. ClinVar contains an entry for this variant (Variation ID: 1913064). Invitae Evidence Modeling of protein sequence and biophysical properties (such as structural, functional, and spatial information, amino acid conservation, physicochemical variation, residue mobility, and thermodynamic stability) indicates that this missense variant is not expected to disrupt KRT83 protein function with a negative predictive value of 80%. In summary, the available evidence is currently insufficient to determine the role of this variant in disease. Therefore, it has been classified as a Variant of Uncertain Significance.